The following is an entry in ClinVar:

ClinVar aggregate classification (germline): Benign. Review status: criteria provided, multiple submitters, no conflicts (2 of 4 stars). 5 submissions from 5 submitters: Benign (5). Last evaluated 2026-02-03.

Conditions:
Spastic ataxia 2. Also called: Ataxia, spastic, 2, autosomal recessive. Identifiers: Orphanet 397946, MedGen C1969796, MONDO:0012651, OMIM 611302.

Allele frequency attached by ClinVar (database versions not stated): gnomAD exomes 0.08193; ExAC 0.11172; 1000 Genomes Project 30x 0.06043; 1000 Genomes Project 0.06290; ESP Exome Variant Server 0.06735; TOPMed 0.07148; gnomAD 0.07299 and 0.07329.
gnomAD v4.1: 125,705 of 1,594,942 alleles (7.9%); highest among the groups gnomAD compares: Middle Eastern, 17%; 5,480 homozygotes.

Submissions (5):

Labcorp Genetics (formerly Invitae), Labcorp
Classification: Benign for Spastic ataxia 2. Last evaluated: 2026-02-03. Review status: criteria provided, single submitter. Criteria: Invitae Variant Classification Sherloc (09022015). Collection method: clinical testing. Allele origin: germline.

Mayo Clinic Laboratories, Mayo Clinic
Classification: Benign. Last evaluated: 2022-03-24. Review status: criteria provided, single submitter. Criteria: ACMG Guidelines, 2015. Collection method: clinical testing. Allele origin: germline. Observed: 81 variant alleles.

Genome-Nilou Lab
Classification: Benign for Spastic ataxia 2. Last evaluated: 2021-08-19. Review status: criteria provided, single submitter. Criteria: ACMG Guidelines, 2015. Collection method: clinical testing. Allele origin: germline. Affected: no.

GeneDx
Classification: Benign. Last evaluated: 2016-02-01. Review status: criteria provided, single submitter. Criteria: GeneDx Variant Classification (06012015). Collection method: clinical testing. Allele origin: germline. Affected: yes.
Comment: This variant is considered likely benign or benign based on one or more of the following criteria: it is a conservative change, it occurs at a poorly conserved position in the protein, it is predicted to be benign by multiple in silico algorithms, and/or has population frequency not consistent with disease.

Breakthrough Genomics
Classification: Benign. Review status: criteria provided, single submitter. Criteria: ACMG Guidelines, 2015. Collection method: not provided. Allele origin: germline. Inheritance: Autosomal recessive inheritance. Affected: yes.

NM_006612.6(KIF1C):c.1938-4C>G

Genes: KIF1C (kinesin family member 1C; plus strand), LOC126862473 (CDK7 strongly-dependent group 2 enhancer GRCh37_chr17:4923264-4924463; plus strand). Cytogenetic location: 17p13.2.
Variant type: single nucleotide variant.
Coding change: c.1938-4C>G on transcript NM_006612.6 (MANE Select); 4 bases into the intron before coding-DNA position 1938, C replaced by G.
Molecular consequence: intron variant.
Genome position (GRCh38, 1-based): chr17:5,020,802, C>G. VCF-style: chr17-5020802-C-G. GRCh37 (hg19) VCF-style: chr17-4924097-C-G.
Other names: p.?.
Identifiers: ClinVar variation 380828 (VCV000380828.16), dbSNP rs4790725, ClinGen allele CA8319172.